The following is an entry in ClinVar:

NM_001267550.2(TTN):c.102827G>A (p.Arg34276Gln)

Genes: TTN-AS1 (TTN antisense RNA 1; plus strand), TTN (titin; minus strand). Cytogenetic location: 2q31.2.
Variant type: single nucleotide variant.
Coding change: c.102827G>A on transcript NM_001267550.2 (MANE Select); coding-DNA position 102827, G replaced by A.
Protein change: p.Arg34276Gln; replaces arginine 34276 with glutamine.
Molecular consequence: missense variant.
Genome position (GRCh38, 1-based): chr2:178,533,788, C>T on the plus strand (G>A on the coding strand, the complement: TTN is on the minus strand). VCF-style: chr2-178533788-C-T. GRCh37 (hg19) VCF-style: chr2-179398515-C-T.
Other names: c.97904G>A, p.Arg32635Gln (NM_001256850.1); c.75632G>A, p.Arg25211Gln (NM_003319.4); c.95123G>A, p.Arg31708Gln (NM_133378.4); c.76007G>A, p.Arg25336Gln (NM_133432.3); c.76208G>A, p.Arg25403Gln (NM_133437.4); short protein forms R31708Q, R34276Q, R25211Q, R32635Q, R25336Q, R25403Q.
Identifiers: ClinVar variation 191820 (VCV000191820.9), dbSNP rs199932621, ClinGen allele CA237626.

ClinVar aggregate classification (germline): Conflicting classifications of pathogenicity. Review status: criteria provided, conflicting classifications (1 of 4 stars). 4 submissions from 4 submitters: Uncertain significance (2); Likely benign (2). Last evaluated 2025-04-09.

Conditions:
Dilated cardiomyopathy 1G (CMD1G). Identifiers: Orphanet 154, MedGen C1858763, MONDO:0011400, OMIM 604145.
Autosomal recessive limb-girdle muscular dystrophy type 2J (LGMDR10). Also called: Limb-girdle muscular dystrophy, type 2J; MUSCULAR DYSTROPHY, LIMB-GIRDLE, AUTOSOMAL RECESSIVE 10. Identifiers: Orphanet 140922, MedGen C1837342, MONDO:0012127, OMIM 608807.

Allele frequency attached by ClinVar (database versions not stated): ExAC 0.00002; gnomAD 0.00003 and 0.00004; gnomAD exomes 0.00003; TOPMed 0.00003.
gnomAD v4.1: 39 of 1,613,822 alleles (0.0024%); highest among the groups gnomAD compares: Middle Eastern, 0.016%; no homozygotes.

Submissions (4):

Molecular Diagnostic Laboratory for Inherited Cardiovascular Disease, Montreal Heart Institute
Classification: Likely benign. Last evaluated: 2025-04-09. Review status: criteria provided, single submitter. Criteria: ACMG Guidelines, 2015. Collection method: clinical testing. Allele origin: germline. Affected: no.

Labcorp Genetics (formerly Invitae), Labcorp
Classification: Uncertain significance for Dilated cardiomyopathy 1G; Autosomal recessive limb-girdle muscular dystrophy type 2J. Last evaluated: 2025-01-30. Review status: criteria provided, single submitter. Criteria: Invitae Variant Classification Sherloc (09022015). Collection method: clinical testing. Allele origin: germline.
Comment: This sequence change replaces arginine, which is basic and polar, with glutamine, which is neutral and polar, at codon 34276 of the TTN protein (p.Arg34276Gln). This variant is present in population databases (rs199932621, gnomAD 0.01%). This variant has not been reported in the literature in individuals affected with TTN-related conditions. ClinVar contains an entry for this variant (Variation ID: 191820). Experimental studies and prediction algorithms are not available or were not evaluated, and the functional significance of this variant is currently unknown. This variant is located in the M band of TTN (PMID: 25589632). Non-truncating variants in this region may be relevant for neuromuscular disorders, but have not been definitively shown to cause cardiomyopathy (PMID: 23975875). In summary, the available evidence is currently insufficient to determine the role of this variant in disease. Therefore, it has been classified as a Variant of Uncertain Significance.

GeneDx
Classification: Likely benign. Last evaluated: 2020-06-19. Review status: criteria provided, single submitter. Criteria: GeneDx Variant Classification Process June 2021. Collection method: clinical testing. Allele origin: germline. Affected: yes.

Biesecker Lab/Clinical Genomics Section, National Institutes of Health
Classification: Uncertain significance. Last evaluated: 2013-06-24. Review status: criteria provided, single submitter. Criteria: Ng et al. (Circ Cardiovasc Genet. 2013). Collection method: research. Allele origin: unknown. Observed: 1 variant allele. Study: ClinSeq.
Comment: The study set was not selected for affection status in relation to any cancer. Pathogenicity categories were based on literature curation. See Pubmed ID:23861362 for details.

Medical sequencing

Literature cited by the submitters: PubMed 25589632 (cited by Labcorp Genetics (formerly Invitae), Labcorp); PubMed 23975875 (cited by Labcorp Genetics (formerly Invitae), Labcorp).